The following is an entry in ClinVar:

NM_021116.4(ADCY1):c.2092G>A (p.Ala698Thr)

Gene: ADCY1 (adenylate cyclase 1; plus strand). Cytogenetic location: 7p12.3.
Variant type: single nucleotide variant.
Coding change: c.2092G>A on transcript NM_021116.4 (MANE Select); coding-DNA position 2092, G replaced by A.
Protein change: p.Ala698Thr; replaces alanine 698 with threonine.
Molecular consequence: missense variant.
Genome position (GRCh38, 1-based): chr7:45,685,980, G>A. VCF-style: chr7-45685980-G-A. GRCh37 (hg19) VCF-style: chr7-45725579-G-A.
Other names: short protein forms A698T.
Identifiers: ClinVar variation 2382901 (VCV002382901.5), dbSNP rs573253845, ClinGen allele CA4249153.
Genomic context (GRCh38, chr7:45,685,980, plus strand): 5'-CACCTGCCCTTTGCTAAGCCCCTGTGACCCCTCCCTTCCCAGGTGGGCTGCCTGCCTTGG[G>A]CCTGGAGCTCCAAGCCCAACAGTTCCCTGGTGGTCCTTTCGTCTGGGGGCCAGCGCACAG-3'
Protein context (NP_066939.1, residues 688-708): QGCVVGCLPW[Ala698Thr]WSSKPNSSLV

ClinVar aggregate classification (germline): Uncertain significance. Review status: criteria provided, multiple submitters, no conflicts (2 of 4 stars). 2 submissions from 2 submitters: Uncertain significance (2). Last evaluated 2025-03-31.

Conditions:
Inborn genetic diseases. Identifiers: MedGen C0950123, MeSH D030342.

Allele frequency attached by ClinVar (database versions not stated): ExAC 0.00018; 1000 Genomes Project 30x 0.00047; TOPMed 0.00002; gnomAD 0.00007; 1000 Genomes Project 0.00020.
gnomAD v4.1: 151 of 1,613,528 alleles (0.0094%); highest among the groups gnomAD compares: South Asian, 0.16%; no homozygotes.

Submissions (2):

Labcorp Genetics (formerly Invitae), Labcorp
Classification: Uncertain significance. Last evaluated: 2025-03-31. Review status: criteria provided, single submitter. Criteria: Invitae Variant Classification Sherloc (09022015). Collection method: clinical testing. Allele origin: germline.
Comment: This sequence change replaces alanine, which is neutral and non-polar, with threonine, which is neutral and polar, at codon 698 of the ADCY1 protein (p.Ala698Thr). This variant is present in population databases (rs573253845, gnomAD 0.2%), and has an allele count higher than expected for a pathogenic variant. This variant has not been reported in the literature in individuals affected with ADCY1-related conditions. ClinVar contains an entry for this variant (Variation ID: 2382901). An algorithm developed to predict the effect of missense changes on protein structure and function outputs the following: PolyPhen-2: "Benign". The threonine amino acid residue is found in multiple mammalian species, which suggests that this missense change does not adversely affect protein function. In summary, the available evidence is currently insufficient to determine the role of this variant in disease. Therefore, it has been classified as a Variant of Uncertain Significance.

Ambry Genetics
Classification: Uncertain significance for Inborn genetic diseases. Last evaluated: 2022-06-09. Review status: criteria provided, single submitter. Criteria: Ambry Variant Classification Scheme 2023. Collection method: clinical testing. Allele origin: germline.